The following is an entry in ClinVar:

NM_152268.4(PARS2):c.1036C>T (p.Arg346Trp)

Gene: PARS2 (prolyl-tRNA synthetase 2, mitochondrial; minus strand). Cytogenetic location: 1p32.3.
Variant type: single nucleotide variant.
Coding change: c.1036C>T on transcript NM_152268.4 (MANE Select); coding-DNA position 1036, C replaced by T.
Protein change: p.Arg346Trp; replaces arginine 346 with tryptophan.
Molecular consequence: missense variant.
Genome position (GRCh38, 1-based): chr1:54,758,126, G>A on the plus strand (C>T on the coding strand, the complement: PARS2 is on the minus strand). VCF-style: chr1-54758126-G-A. GRCh37 (hg19) VCF-style: chr1-55223799-G-A.
Other names: short protein forms R346W.
Identifiers: ClinVar variation 1694512 (VCV001694512.32), dbSNP rs143210581, ClinGen allele CA22742668.

ClinVar aggregate classification (germline): Conflicting classifications of pathogenicity. Review status: criteria provided, conflicting classifications (1 of 4 stars). 2 submissions from 2 submitters: Likely pathogenic (1); Uncertain significance (1). Last evaluated 2022-04-05.

Conditions:
PARS2-related disorder.

Allele frequency attached by ClinVar (database versions not stated): gnomAD exomes 0.00001; TOPMed 0.00001; gnomAD 0.00002; ESP Exome Variant Server 0.00008.
gnomAD v4.1: 22 of 1,614,064 alleles (0.0014%); highest among the groups gnomAD compares: East Asian, 0.0022%; no homozygotes.

Submissions (2):

Blueprint Genetics
Classification: Likely pathogenic for PARS2-related disorders. Last evaluated: 2022-04-05. Review status: criteria provided, single submitter. Criteria: ACMG Guidelines, 2015. Collection method: clinical testing. Allele origin: germline. Affected: yes. Observed: 3 variant alleles.

CeGaT Center for Human Genetics Tuebingen
Classification: Uncertain significance. Last evaluated: 2022-04-01. Review status: criteria provided, single submitter. Criteria: CeGaT Center For Human Genetics Tuebingen Variant Classification Criteria Version 2. Collection method: clinical testing. Allele origin: germline. Affected: yes. Observed: 1 variant allele.
Comment: PARS2: PM2, PP3